The following is an entry in ClinVar:

NM_000135.4(FANCA):c.2667C>T (p.Ala889=)

Genes: FANCA (FA complementation group A; minus strand), LOC130059837 (ATAC-STARR-seq lymphoblastoid active region 11420; plus strand). Cytogenetic location: 16q24.3.
Variant type: single nucleotide variant.
Coding change: c.2667C>T on transcript NM_000135.4 (MANE Select); coding-DNA position 2667, C replaced by T.
Protein change: p.Ala889=; no amino-acid change (alanine 889 retained).
Molecular consequence: synonymous variant.
Genome position (GRCh38, 1-based): chr16:89,765,001, G>A on the plus strand (C>T on the coding strand, the complement: FANCA is on the minus strand). VCF-style: chr16-89765001-G-A. GRCh37 (hg19) VCF-style: chr16-89831409-G-A.
Other names: c.2667C>T (NM_000135.3); c.2667C>T, p.Ala889= (NM_001286167.3).
Identifiers: ClinVar variation 1665233 (VCV001665233.11), dbSNP rs771425634, ClinGen allele CA8251599.
Genomic context (GRCh38, chr16:89,765,001, plus strand): 5'-AGAGAGGGCAGCTCTCTGCCAGTCTGCAGAAGGAAGGTGCAAGGGTCTCCAGGAAAGGCT[G>A]GCTACGTCCTCCTCAGAAAGAGGCTGTCGGGCCTCTGAGAACAATCTGAACATGAGGAAC-3'
Protein context (NP_000126.2, residues 879-899): ARQPLSEEDV[Ala889=]SLSWRPLHLP

ClinVar aggregate classification (germline): Conflicting classifications of pathogenicity. Review status: criteria provided, conflicting classifications (1 of 4 stars). 4 submissions from 4 submitters: Uncertain significance (1); Likely benign (3). Last evaluated 2025-09-29.

Conditions:
Inborn genetic diseases. Identifiers: MedGen C0950123, MeSH D030342.
Fanconi anemia (FA). Also called: Fanconi's anemia. Identifiers: Orphanet 84, MedGen C0015625, MeSH D005199, MONDO:0019391.

Allele frequency attached by ClinVar (database versions not stated): gnomAD exomes below 0.00001 and 0.00002; ExAC 0.00002; gnomAD 0.00002; TOPMed 0.00005.
gnomAD v4.1: 10 of 1,614,118 alleles (0.00062%); highest among the groups gnomAD compares: Admixed American, 0.01%; no homozygotes.

Submissions (4):

Labcorp Genetics (formerly Invitae), Labcorp
Classification: Likely benign for Fanconi anemia. Last evaluated: 2025-09-29. Review status: criteria provided, single submitter. Criteria: Invitae Variant Classification Sherloc (09022015). Collection method: clinical testing. Allele origin: germline.

Quest Diagnostics Nichols Institute San Juan Capistrano
Classification: Likely benign. Last evaluated: 2025-02-01. Review status: criteria provided, single submitter. Criteria: Quest Diagnostics criteria. Collection method: clinical testing. Allele origin: unknown.

Ambry Genetics
Classification: Likely benign for Inborn genetic diseases. Last evaluated: 2024-12-06. Review status: criteria provided, single submitter. Criteria: Ambry Variant Classification Scheme 2023. Collection method: clinical testing. Allele origin: germline.

Sema4
Classification: Uncertain significance for Fanconi anemia. Last evaluated: 2021-11-01. Review status: criteria provided, single submitter. Criteria: Sema4 Curation Guidelines. Collection method: curation. Allele origin: germline.
Comment: The FANCA c.2667C>T (p.A889=) variant has not been reported in the literature to our knowledge. It was observed in 5/35440 chromosomes of the Latino subpopulation in the large and broad cohorts of the Genome Aggregation Database (PMID: 32461654). The variant has not been reported in ClinVar. Splice site prediction tools suggest the variant may lead to the creation of a cryptic splice donor site, however these predictions have not been confirmed by transcriptional studies. The evidence is insufficient to meet ACMG/AMP criteria for classifying the variant as benign or pathogenic. Thus, the clinical significance of this variant is currently uncertain.

Literature cited by the submitters: PubMed 32235514 (cited by Quest Diagnostics Nichols Institute San Juan Capistrano).